The following is an entry in ClinVar:

ClinVar aggregate classification (germline): Uncertain significance. Review status: criteria provided, multiple submitters, no conflicts (2 of 4 stars). 2 submissions from 2 submitters: Uncertain significance (2). Last evaluated 2025-09-23.

Conditions:
Developmental and epileptic encephalopathy, 65. Also called: EPILEPTIC ENCEPHALOPATHY, EARLY INFANTILE, 65. Identifiers: MedGen C4693925, MONDO:0033374, OMIM 618008.

Submissions (2):

3billion
Classification: Uncertain significance for Developmental and epileptic encephalopathy, 65. Last evaluated: 2025-09-23. Review status: criteria provided, single submitter. Criteria: ACMG Guidelines, 2015. Collection method: clinical testing. Allele origin: germline. Affected: yes.
Comment: The variant is not observed in the gnomAD v4.1.0 dataset. Predicted Consequence/Location: Missense variant. Missense changes are a common disease-causing mechanism. In silico tool predictions suggest damaging effect of the variant on gene or gene product [3Cnet: 0.86 (> 0.75, sensitivity 0.96 and precision 0.92)]. The variant has been reported as of uncertain significance (ClinVar ID: VCV003369728). Different missense changes at the same codon have been reported as of uncertain significance (ClinVar ID: VCV002989215). Therefore, this variant is classified as VUS according to the recommendation of ACMG/AMP guideline.

GeneDx
Classification: Uncertain significance. Last evaluated: 2024-03-03. Review status: criteria provided, single submitter. Criteria: GeneDx Variant Classification Process June 2021. Collection method: clinical testing. Allele origin: germline. Affected: yes.
Comment: Not observed at significant frequency in large population cohorts (gnomAD); In silico analysis supports that this missense variant has a deleterious effect on protein structure/function; Has not been previously published as pathogenic or benign to our knowledge

NM_001037333.3(CYFIP2):c.1057C>T (p.Arg353Trp)

Gene: CYFIP2 (cytoplasmic FMR1 interacting protein 2; plus strand). Cytogenetic location: 5q33.3.
Variant type: single nucleotide variant.
Coding change: c.1057C>T on transcript NM_001037333.3 (MANE Select); coding-DNA position 1057, C replaced by T.
Protein change: p.Arg353Trp; replaces arginine 353 with tryptophan.
Molecular consequence: missense variant.
Genome position (GRCh38, 1-based): chr5:157,311,728, C>T. VCF-style: chr5-157311728-C-T. GRCh37 (hg19) VCF-style: chr5-156738736-C-T.
Other names: c.979C>T, p.Arg327Trp (NM_001291721.2); c.1057C>T, p.Arg353Trp (NM_001291722.2, NM_014376.4); short protein forms R327W, R353W.
Identifiers: ClinVar variation 3369728 (VCV003369728.2).